The following is an entry in ClinVar:

NM_002335.4(LRP5):c.1801G>A (p.Gly601Arg)

Gene: LRP5 (LDL receptor related protein 5; plus strand). Cytogenetic location: 11q13.2.
Variant type: single nucleotide variant.
Coding change: c.1801G>A on transcript NM_002335.4 (MANE Select); coding-DNA position 1801, G replaced by A.
Protein change: p.Gly601Arg; replaces glycine 601 with arginine.
Molecular consequence: missense variant. On other transcripts: 5 prime UTR variant (1).
Genome position (GRCh38, 1-based): chr11:68,403,699, G>A. VCF-style: chr11-68403699-G-A. GRCh37 (hg19) VCF-style: chr11-68171167-G-A.
Other names: c.-137G>A (NM_001291902.2); short protein forms G601R.
Identifiers: ClinVar variation 938078 (VCV000938078.8), dbSNP rs576436176, ClinGen allele CA6149429.

ClinVar aggregate classification (germline): Uncertain significance (1 of 4 stars; one submission).

Allele frequency attached by ClinVar (database versions not stated): ExAC 0.00001; gnomAD 0.00001; gnomAD exomes 0.00001.
gnomAD v4.1: 5 of 1,613,184 alleles (0.00031%); highest among the groups gnomAD compares: Admixed American, 0.0033%; no homozygotes.

Submissions (2):

Labcorp Genetics (formerly Invitae), Labcorp
Classification: Uncertain significance. Last evaluated: 2023-02-20. Review status: criteria provided, single submitter. Criteria: Invitae Variant Classification Sherloc (09022015). Collection method: clinical testing. Allele origin: germline.
Comment: An algorithm developed to predict the effect of missense changes on protein structure and function (PolyPhen-2) suggests that this variant is likely to be disruptive. In summary, the available evidence is currently insufficient to determine the role of this variant in disease. Therefore, it has been classified as a Variant of Uncertain Significance. Variants that disrupt the consensus splice site are a relatively common cause of aberrant splicing (PMID: 17576681, 9536098). Algorithms developed to predict the effect of sequence changes on RNA splicing suggest that this variant may create or strengthen a splice site. ClinVar contains an entry for this variant (Variation ID: 938078). This missense change has been observed in individual(s) with familial exudative vitreoretinopathy (PMID: 30452590, 31169861, 32238352). This variant is present in population databases (rs576436176, gnomAD 0.003%). This sequence change replaces glycine, which is neutral and non-polar, with arginine, which is basic and polar, at codon 601 of the LRP5 protein (p.Gly601Arg). This variant also falls at the last nucleotide of exon 8, which is part of the consensus splice site for this exon.

Dr. Peter K. Rogan Lab, Western University
No classification provided (evidence only). Condition: Uterine corpus endometrial carcinoma. Review status: no classification provided. Collection method: in vitro. Allele origin: not applicable. Functional consequence: skipped exon, retained intron. Not counted in ClinVar's aggregate classification.

Literature cited by the submitters: PubMed 17576681 (cited by Labcorp Genetics (formerly Invitae), Labcorp); PubMed 9536098 (cited by Labcorp Genetics (formerly Invitae), Labcorp); PubMed 30452590 (cited by Labcorp Genetics (formerly Invitae), Labcorp); PubMed 31169861 (cited by Labcorp Genetics (formerly Invitae), Labcorp); PubMed 32238352 (cited by Labcorp Genetics (formerly Invitae), Labcorp).